The following is an entry in ClinVar:

ClinVar aggregate classification (germline): Uncertain significance. Review status: criteria provided, multiple submitters, no conflicts (2 of 4 stars). 2 submissions from 2 submitters: Uncertain significance (2). Last evaluated 2025-04-11.

Conditions:
Inborn genetic diseases. Identifiers: MedGen C0950123, MeSH D030342.

gnomAD v4.1: 6 of 1,573,902 alleles (0.00038%); highest among the groups gnomAD compares: African/African-American, 0.0054%; no homozygotes.

Submissions (2):

Ambry Genetics
Classification: Uncertain significance for Inborn genetic diseases. Last evaluated: 2025-04-11. Review status: criteria provided, single submitter. Criteria: Ambry Variant Classification Scheme 2023. Collection method: clinical testing. Allele origin: germline.

Labcorp Genetics (formerly Invitae), Labcorp
Classification: Uncertain significance. Last evaluated: 2025-04-02. Review status: criteria provided, single submitter. Criteria: Invitae Variant Classification Sherloc (09022015). Collection method: clinical testing. Allele origin: germline.
Comment: This sequence change replaces arginine, which is basic and polar, with glycine, which is neutral and non-polar, at codon 744 of the RHBDF2 protein (p.Arg744Gly). This variant is present in population databases (rs373717168, gnomAD 0.01%). This variant has not been reported in the literature in individuals affected with RHBDF2-related conditions. An algorithm developed to predict the effect of missense changes on protein structure and function (PolyPhen-2) suggests that this variant is likely to be tolerated. In summary, the available evidence is currently insufficient to determine the role of this variant in disease. Therefore, it has been classified as a Variant of Uncertain Significance.

NM_001005498.4(RHBDF2):c.2143A>G (p.Arg715Gly)

Gene: RHBDF2 (rhomboid 5 homolog 2; minus strand). Cytogenetic location: 17q25.1.
Variant type: single nucleotide variant.
Coding change: c.2143A>G on transcript NM_001005498.4 (MANE Select); coding-DNA position 2143, A replaced by G.
Protein change: p.Arg715Gly; replaces arginine 715 with glycine.
Molecular consequence: missense variant. On other transcripts: non-coding transcript variant (3).
Genome position (GRCh38, 1-based): chr17:76,471,974, T>C on the plus strand (A>G on the coding strand, the complement: RHBDF2 is on the minus strand). VCF-style: chr17-76471974-T-C. GRCh37 (hg19) VCF-style: chr17-74468056-T-C.
Other names: c.2143A>G, p.Arg715Gly (NM_001376228.1, NM_001376229.1, NM_001376230.1); c.2230A>G, p.Arg744Gly (NM_024599.5); short protein forms R715G, R744G.
Identifiers: ClinVar variation 3945472 (VCV003945472.2).